The following is an entry in ClinVar:

NM_001723.7(DST):c.7561G>A (p.Glu2521Lys)

Gene: DST (dystonin; minus strand). Cytogenetic location: 6p12.1.
Variant type: single nucleotide variant.
Coding change: c.7561G>A on transcript NM_001723.7 (MANE Plus Clinical); coding-DNA position 7561, G replaced by A.
Protein change: p.Glu2521Lys; replaces glutamic acid 2521 with lysine.
Molecular consequence: missense variant. On other transcripts: intron variant (10).
Genome position (GRCh38, 1-based): chr6:56,615,906, C>T on the plus strand (G>A on the coding strand, the complement: DST is on the minus strand). VCF-style: chr6-56615906-C-T. GRCh37 (hg19) VCF-style: chr6-56480704-C-T.
Other names: c.4831-1422G>A (NM_001144769.5); c.4930-1422G>A (NM_001374722.1, NM_001374736.1); c.4957-1422G>A (NM_001374734.1); c.4417-1422G>A (NM_001144770.2); c.4297-1422G>A (NM_001374730.1, NM_001386100.1, NM_183380.4 and 1 more transcripts); c.3319-1422G>A (NM_015548.5); short protein forms E2521K.
Identifiers: ClinVar variation 1357303 (VCV001357303.5), dbSNP rs2152728378, ClinGen allele CA364562741.
Genomic context (GRCh38, chr6:56,615,906, plus strand): 5'-CTTCCACCACTGACATCATTTTGTTAGTGATGGGATGGCCAATCCCTGTGATTACTAATT[C>T]ACACTGTCGCAGCTGCTGGGCAAACCCCTCATCAACCAGGCCTCTATGCAAAGCTTCGGC-3'
Protein context (NP_001714.1, residues 2511-2531): EGFAQQLRQC[Glu2521Lys]LVITGIGHPI

ClinVar aggregate classification (germline): Uncertain significance (1 of 4 stars; one submission).

Conditions:
Hereditary sensory and autonomic neuropathy type 6. Also called: Neuropathy, hereditary sensory and autonomic, type VI; HSAN VI. Identifiers: Orphanet 314381, MedGen C3539003, MONDO:0013839, OMIM 614653.
Epidermolysis bullosa simplex 3, localized or generalized intermediate, with BP230 deficiency (EBS3). Also called: Epidermolysis bullosa simplex due to BP230 deficiency; Epidermolysis bullosa simplex, autosomal recessive 2. Identifiers: Orphanet 412181, MedGen C3809470, MONDO:0014180, OMIM 615425.

gnomAD v4.1: 2 of 1,614,184 alleles (0.00012%); highest among the groups gnomAD compares: African/African-American, 0.0027%; no homozygotes.

Submission:

Labcorp Genetics (formerly Invitae), Labcorp
Classification: Uncertain significance for Epidermolysis bullosa simplex 3, localized or generalized intermediate, with BP230 deficiency; Hereditary sensory and autonomic neuropathy type 6. Last evaluated: 2022-08-23. Review status: criteria provided, single submitter. Criteria: Invitae Variant Classification Sherloc (09022015). Collection method: clinical testing. Allele origin: germline.
Comment: This sequence change replaces glutamic acid, which is acidic and polar, with lysine, which is basic and polar, at codon 2521 of the DST protein (p.Glu2521Lys). This variant is not present in population databases (gnomAD no frequency). This variant has not been reported in the literature in individuals affected with DST-related conditions. ClinVar contains an entry for this variant (Variation ID: 1357303). Algorithms developed to predict the effect of missense changes on protein structure and function (SIFT, PolyPhen-2, Align-GVGD) all suggest that this variant is likely to be tolerated. In summary, the available evidence is currently insufficient to determine the role of this variant in disease. Therefore, it has been classified as a Variant of Uncertain Significance.